The following is an entry in ClinVar:

ClinVar aggregate classification (germline): Uncertain significance (1 of 4 stars; one submission).

Conditions:
Hereditary cancer-predisposing syndrome. Also called: Hereditary Cancer Syndrome; Hereditary neoplastic syndrome; Tumor predisposition; Neoplastic Syndromes, Hereditary. Identifiers: Orphanet 140162, MedGen C0027672, MeSH D009386, MONDO:0015356.
Cardiovascular phenotype. Identifiers: MedGen CN230736.

Submission:

Ambry Genetics
Classification: Uncertain significance for Cardiovascular phenotype; Hereditary cancer-predisposing syndrome. Last evaluated: 2024-09-03. Review status: criteria provided, single submitter. Criteria: Ambry Variant Classification Scheme 2023. Collection method: clinical testing. Allele origin: germline.
Comment: The c.264-1330_269del1336 variant results from a deletion of 1336 nucleotides between positions c.264-1330 and c.269 and involves the canonical splice acceptor site before coding exon 3 of the LZTR1 gene. Alterations that disrupt the canonical splice site are expected to result in aberrant splicing. In silico splice site analysis predicts that this alteration will weaken the native splice acceptor site and may result in the creation or strengthening of a novel splice acceptor site. The resulting transcript is predicted to be in-frame and is not expected to trigger nonsense-mediated mRNAdecay; however, direct evidence is unavailable. The exact functional effect of the altered amino acid sequence is unknown. Based on the available evidence, the clinical significance of this variant remains unclear.

NM_006767.4(LZTR1):c.264-1330_269del

Gene: LZTR1 (leucine zipper like post translational regulator 1; plus strand). Cytogenetic location: 22q11.21.
Variant type: Deletion.
Coding change: c.264-1330_269del on transcript NM_006767.4 (MANE Select); 1330 bases into the intron before coding-DNA position 264 through coding-DNA position 269, 1,336 bases deleted.
Molecular consequence: splice acceptor variant.
Genome position (GRCh38, 1-based): chr22:20,984,511-20,985,846, 1,336 bases deleted. GRCh37 (hg19): chr22:21,338,800-21,340,135.
Identifiers: ClinVar variation 3541544 (VCV003541544.1).